The following is an entry in ClinVar:

ClinVar aggregate classification (germline): Uncertain significance (0 of 4 stars; one submission).

Conditions:
Prostate cancer. Also called: Malignant tumor of prostate. Identifiers: Orphanet 1331, MedGen C0376358, MONDO:0008315, HP:0012125.

Allele frequency attached by ClinVar (database versions not stated): TOPMed 0.00005; gnomAD exomes 0.00002 and 0.00003; gnomAD 0.00004 and 0.00003; ExAC 0.00004.
gnomAD v4.1: 34 of 1,614,054 alleles (0.0021%); highest among the groups gnomAD compares: East Asian, 0.0089%; no homozygotes.

Submission:

Science for Life laboratory,  Karolinska Institutet
Classification: Uncertain significance for Malignant tumor of prostate. Review status: no assertion criteria provided. Collection method: not provided. Allele origin: somatic.
Comment: TumorID:SWE-10
ClinVar note: Converted during submission from Unknown to Uncertain significance.

NM_002337.4(LRPAP1):c.347A>G (p.Asn116Ser)

Gene: LRPAP1 (LDL receptor related protein associated protein 1; minus strand). Cytogenetic location: 4p16.3.
Variant type: single nucleotide variant.
Coding change: c.347A>G on transcript NM_002337.4 (MANE Select); coding-DNA position 347, A replaced by G.
Protein change: p.Asn116Ser; replaces asparagine 116 with serine.
Molecular consequence: missense variant. On other transcripts: non-coding transcript variant (1).
Genome position (GRCh38, 1-based): chr4:3,524,909, T>C on the plus strand (A>G on the coding strand, the complement: LRPAP1 is on the minus strand). VCF-style: chr4-3524909-T-C. GRCh37 (hg19) VCF-style: chr4-3526636-T-C.
Other names: short protein forms N116S.
Identifiers: ClinVar variation 161595 (VCV000161595.2), dbSNP rs34897511, ClinGen allele CA174415.